The following is an entry in ClinVar:

NM_181672.3(OGT):c.2456C>G (p.Thr819Ser)

Gene: OGT (O-linked N-acetylglucosamine (GlcNAc) transferase; plus strand). Cytogenetic location: Xq13.1.
Variant type: single nucleotide variant.
Coding change: c.2456C>G on transcript NM_181672.3 (MANE Select); coding-DNA position 2456, C replaced by G.
Protein change: p.Thr819Ser; replaces threonine 819 with serine.
Molecular consequence: missense variant.
Genome position (GRCh38, 1-based): chrX:71,564,620, C>G. VCF-style: chrX-71564620-C-G. GRCh37 (hg19) VCF-style: chrX-70784470-C-G.
Other names: c.2426C>G, p.Thr809Ser (NM_181673.3); short protein forms T809S, T819S.
Identifiers: ClinVar variation 2573831 (VCV002573831.1), dbSNP rs2522856059, ClinGen allele CA413568175.

ClinVar aggregate classification (germline): Uncertain significance (1 of 4 stars; one submission).

Submission:

GeneDx
Classification: Uncertain significance. Last evaluated: 2023-07-20. Review status: criteria provided, single submitter. Criteria: GeneDx Variant Classification Process June 2021. Collection method: clinical testing. Allele origin: germline. Affected: yes.
Comment: Not observed at significant frequency in large population cohorts (gnomAD); In silico analysis supports that this missense variant does not alter protein structure/function; Has not been previously published as pathogenic or benign to our knowledge